The following is an entry in ClinVar:

ClinVar aggregate classification (germline): Uncertain significance (1 of 4 stars; one submission).

Submission:

Labcorp Genetics (formerly Invitae), Labcorp
Classification: Uncertain significance. Last evaluated: 2022-04-11. Review status: criteria provided, single submitter. Criteria: Invitae Variant Classification Sherloc (09022015). Collection method: clinical testing. Allele origin: germline.
Comment: In summary, the available evidence is currently insufficient to determine the role of this variant in disease. Therefore, it has been classified as a Variant of Uncertain Significance. Algorithms developed to predict the effect of missense changes on protein structure and function (SIFT, PolyPhen-2, Align-GVGD) all suggest that this variant is likely to be tolerated. This variant has not been reported in the literature in individuals affected with CAD-related conditions. The frequency data for this variant in the population databases is considered unreliable, as metrics indicate poor data quality at this position in the gnomAD database. This sequence change replaces histidine, which is basic and polar, with arginine, which is basic and polar, at codon 82 of the CAD protein (p.His82Arg).

NM_004341.5(CAD):c.245A>G (p.His82Arg)

Gene: CAD (carbamoyl-phosphate synthetase 2, aspartate transcarbamylase, and dihydroorotase; plus strand). Cytogenetic location: 2p23.3.
Variant type: single nucleotide variant.
Coding change: c.245A>G on transcript NM_004341.5 (MANE Select); coding-DNA position 245, A replaced by G.
Protein change: p.His82Arg; replaces histidine 82 with arginine.
Molecular consequence: missense variant.
Genome position (GRCh38, 1-based): chr2:27,221,240, A>G. VCF-style: chr2-27221240-A-G. GRCh37 (hg19) VCF-style: chr2-27444108-A-G.
Other names: c.245A>G, p.His82Arg (NM_001306079.2); short protein forms H82R.
Identifiers: ClinVar variation 2124690 (VCV002124690.4), dbSNP rs1450107139, ClinGen allele CA346197559.